The following is an entry in ClinVar:

NM_024408.4(NOTCH2):c.6517C>G (p.Pro2173Ala)

Gene: NOTCH2 (notch receptor 2; minus strand). Cytogenetic location: 1p12.
Variant type: single nucleotide variant.
Coding change: c.6517C>G on transcript NM_024408.4 (MANE Select); coding-DNA position 6517, C replaced by G.
Protein change: p.Pro2173Ala; replaces proline 2173 with alanine.
Molecular consequence: missense variant.
Genome position (GRCh38, 1-based): chr1:119,916,205, G>C on the plus strand (C>G on the coding strand, the complement: NOTCH2 is on the minus strand). VCF-style: chr1-119916205-G-C. GRCh37 (hg19) VCF-style: chr1-120458828-G-C.
Other names: short protein forms P2173A.
Identifiers: ClinVar variation 4881651 (VCV004881651.2).

ClinVar aggregate classification (germline): Uncertain significance (1 of 4 stars; one submission).

gnomAD v4.1: 2 of 1,614,090 alleles (0.00012%); highest among the groups gnomAD compares: Non-Finnish European, 0.00017%; no homozygotes.

Submission:

Dasa
Classification: Uncertain significance. Last evaluated: 2025-11-05. Review status: criteria provided, single submitter. Criteria: DASA Assertion Criteria. Collection method: clinical testing. Allele origin: germline.
Comment: NM_024408.4(NOTCH2):c.6517C>G (p.Pro2173Ala) is a missense variant that results in the substitution of proline with alanine. This variant is rare in population databases. The currently available literature and clinical evidence are not sufficient to establish a definitive association between this variant and the reported condition. Therefore, this variant is classified as a variant of uncertain significance.